The following is an entry in ClinVar:

NM_000404.4(GLB1):c.521A>C (p.Tyr174Ser)

Gene: GLB1 (galactosidase beta 1; minus strand). Cytogenetic location: 3p22.3.
Variant type: single nucleotide variant.
Coding change: c.521A>C on transcript NM_000404.4 (MANE Select); coding-DNA position 521, A replaced by C.
Protein change: p.Tyr174Ser; replaces tyrosine 174 with serine.
Molecular consequence: missense variant. On other transcripts: synonymous variant (1).
Genome position (GRCh38, 1-based): chr3:33,065,494, T>G on the plus strand (A>C on the coding strand, the complement: GLB1 is on the minus strand). VCF-style: chr3-33065494-T-G. GRCh37 (hg19) VCF-style: chr3-33106986-T-G.
Other names: c.431A>C, p.Tyr144Ser (NM_001079811.3); c.309A>C, p.Leu103= (NM_001135602.3); c.665A>C, p.Tyr222Ser (NM_001317040.2); c.521A>C, p.Tyr174Ser (NM_001393580.1); short protein forms Y222S, Y174S, Y144S.
Identifiers: ClinVar variation 1519356 (VCV001519356.8), dbSNP rs2125543580, ClinGen allele CA351992088.

ClinVar aggregate classification (germline): Likely pathogenic (1 of 4 stars; one submission).

Conditions:
GM1 gangliosidosis. Identifiers: Orphanet 354, MedGen C0085131, MONDO:0018149.
Mucopolysaccharidosis, MPS-IV-B (MPS4B). Also called: MORQUIO SYNDROME B; Mucopolysaccharidosis Type IVB (Morquio B Disease); Mucopolysaccharidosis type 4B; Mucopolysaccharidosis type IVB (Morquio); MPS IVB; Mucopolysaccharidosis type IV B. Identifiers: Orphanet 309310, Orphanet 582, MedGen C0086652, MONDO:0009660, OMIM 253010.

Submission:

Labcorp Genetics (formerly Invitae), Labcorp
Classification: Likely pathogenic for Mucopolysaccharidosis, MPS-IV-B; GM1 gangliosidosis. Last evaluated: 2021-05-06. Review status: criteria provided, single submitter. Criteria: Invitae Variant Classification Sherloc (09022015). Collection method: clinical testing. Allele origin: germline.
Comment: In summary, the currently available evidence indicates that the variant is pathogenic, but additional data are needed to prove that conclusively. Therefore, this variant has been classified as Likely Pathogenic. This variant disrupts the p.Tyr174 amino acid residue in GLB1. Other variant(s) that disrupt this residue have been determined to be pathogenic (PMID: 25443580, 29451896). This suggests that this residue is clinically significant, and that variants that disrupt this residue are likely to be disease-causing. Advanced modeling of protein sequence and biophysical properties (such as structural, functional, and spatial information, amino acid conservation, physicochemical variation, residue mobility, and thermodynamic stability) performed at Invitae indicates that this missense variant is expected to disrupt GLB1 protein function. This variant has not been reported in the literature in individuals with GLB1-related conditions. This variant is not present in population databases (ExAC no frequency). This sequence change replaces tyrosine with serine at codon 174 of the GLB1 protein (p.Tyr174Ser). The tyrosine residue is highly conserved and there is a large physicochemical difference between tyrosine and serine.

Literature cited by the submitters: PubMed 25443580; PubMed 29451896.